The following is an entry in ClinVar:

ClinVar aggregate classification (germline): Uncertain significance (1 of 4 stars; one submission).

Allele frequency attached by ClinVar (database versions not stated): ExAC 0.00001; gnomAD exomes 0.00001.
gnomAD v4.1: 16 of 1,613,860 alleles (0.00099%); highest among the groups gnomAD compares: Non-Finnish European, 0.0013%; no homozygotes.

Submission:

Labcorp Genetics (formerly Invitae), Labcorp
Classification: Uncertain significance. Last evaluated: 2022-10-02. Review status: criteria provided, single submitter. Criteria: Invitae Variant Classification Sherloc (09022015). Collection method: clinical testing. Allele origin: germline.
Comment: In summary, the available evidence is currently insufficient to determine the role of this variant in disease. Therefore, it has been classified as a Variant of Uncertain Significance. Algorithms developed to predict the effect of missense changes on protein structure and function are either unavailable or do not agree on the potential impact of this missense change (SIFT: "Deleterious"; PolyPhen-2: "Probably Damaging"; Align-GVGD: "Class C0"). This variant has not been reported in the literature in individuals affected with ARCN1-related conditions. This variant is present in population databases (rs782180226, gnomAD 0.003%). This sequence change replaces valine, which is neutral and non-polar, with methionine, which is neutral and non-polar, at codon 333 of the ARCN1 protein (p.Val333Met).

NM_001655.5(ARCN1):c.997G>A (p.Val333Met)

Gene: ARCN1 (archain 1 coat protein complex I subunit delta; plus strand). Cytogenetic location: 11q23.3.
Variant type: single nucleotide variant.
Coding change: c.997G>A on transcript NM_001655.5 (MANE Select); coding-DNA position 997, G replaced by A.
Protein change: p.Val333Met; replaces valine 333 with methionine.
Molecular consequence: missense variant.
Genome position (GRCh38, 1-based): chr11:118,592,721, G>A. VCF-style: chr11-118592721-G-A. GRCh37 (hg19) VCF-style: chr11-118463436-G-A.
Other names: c.733G>A, p.Val245Met (NM_001142281.2); short protein forms V333M, V245M.
Identifiers: ClinVar variation 2060953 (VCV002060953.4), dbSNP rs782180226, ClinGen allele CA6306202.